The following is an entry in ClinVar:

ClinVar aggregate classification (germline): Uncertain significance. Review status: criteria provided, multiple submitters, no conflicts (2 of 4 stars). 9 submissions from 9 submitters: Uncertain significance (9). Last evaluated 2025-11-12.

Conditions:
Familial colorectal cancer type X. Identifiers: Orphanet 440437, MedGen C3896578, MONDO:0018604.
Hereditary cancer-predisposing syndrome. Also called: Neoplastic Syndromes, Hereditary; Hereditary neoplastic syndrome; Tumor predisposition; Hereditary Cancer Syndrome. Identifiers: Orphanet 140162, MedGen C0027672, MeSH D009386, MONDO:0015356.
Familial cancer of breast. Also called: hereditary breast carcinoma; Hereditary breast cancer; BREAST CANCER, FAMILIAL. Identifiers: Orphanet 227535, MedGen C0346153, MONDO:0016419, OMIM 114480. Disease mechanism: loss of function.
Ataxia-telangiectasia syndrome (AT). Also called: Ataxia telangiectasia (A-T); Cerebello-oculocutaneous telangiectasia; Immunodeficiency with ataxia telangiectasia; LOUIS-BAR SYNDROME; AT, COMPLEMENTATION GROUP C; ATAXIA-TELANGIECTASIA, FRESNO VARIANT. Identifiers: Orphanet 100, MedGen C0004135, MONDO:0008840, OMIM 208900.

gnomAD v4.1: 2 of 1,613,978 alleles (0.00012%); highest among the groups gnomAD compares: Non-Finnish European, 0.00017%; no homozygotes.

Submissions (9):

Color Diagnostics, LLC DBA Color Health
Classification: Uncertain significance for Hereditary cancer-predisposing syndrome. Last evaluated: 2025-11-12. Review status: criteria provided, single submitter. Criteria: ACMG Guidelines, 2015. Collection method: clinical testing. Allele origin: germline.
Comment: This missense variant replaces histidine with glutamine at codon 2038 of the ATM protein. Computational prediction suggests that this variant may not impact protein structure and function. To our knowledge, functional studies have not been reported for this variant. This variant has been reported in individuals affected with breast cancer (PMID: 33471991) and a personal history of Lynch syndrome-associated cancer and/or polyps (PMID 25980754). This variant has been identified in 2/1613978 chromosomes in the general population by the Genome Aggregation Database (gnomAD). The available evidence is insufficient to determine the role of this variant in disease conclusively. Therefore, this variant is classified as a Variant of Uncertain Significance.

Labcorp Genetics (formerly Invitae), Labcorp
Classification: Uncertain significance for Ataxia-telangiectasia syndrome. Last evaluated: 2025-10-28. Review status: criteria provided, single submitter. Criteria: Invitae Variant Classification Sherloc (09022015). Collection method: clinical testing. Allele origin: germline.
Comment: This sequence change replaces histidine, which is basic and polar, with glutamine, which is neutral and polar, at codon 2038 of the ATM protein (p.His2038Gln). This variant is not present in population databases (gnomAD no frequency). This missense change has been observed in individual(s) with clinical features of Lynch syndrome (PMID: 25980754). ClinVar contains an entry for this variant (Variation ID: 232340). Invitae Evidence Modeling of protein sequence and biophysical properties (such as structural, functional, and spatial information, amino acid conservation, physicochemical variation, residue mobility, and thermodynamic stability) indicates that this missense variant is not expected to disrupt ATM protein function with a negative predictive value of 95%. RNA analysis performed to evaluate the impact of this missense change on mRNA splicing indicates it does not significantly alter splicing (internal data). In summary, the available evidence is currently insufficient to determine the role of this variant in disease. Therefore, it has been classified as a Variant of Uncertain Significance.

Ambry Genetics
Classification: Uncertain significance for Hereditary cancer-predisposing syndrome. Last evaluated: 2025-07-11. Review status: criteria provided, single submitter. Criteria: Ambry Variant Classification Scheme 2023. Collection method: clinical testing. Allele origin: germline.
Comment: The p.H2038Q variant (also known as c.6114C>G), located in coding exon 41 of the ATM gene, results from a C to G substitution at nucleotide position 6114. The histidine at codon 2038 is replaced by glutamine, an amino acid with highly similar properties. This amino acid position is highly conserved in available vertebrate species. In addition, the in silico prediction for this alteration is inconclusive. Based on the available evidence, the clinical significance of this variant remains unclear.

Center for Genomic Medicine, Rigshospitalet, Copenhagen University Hospital
Classification: Uncertain significance. Last evaluated: 2025-03-04. Review status: criteria provided, single submitter. Criteria: ACMG Guidelines, 2015. Collection method: clinical testing. Allele origin: germline.

Women's Health and Genetics/Laboratory Corporation of America, LabCorp
Classification: Uncertain significance. Last evaluated: 2024-06-28. Review status: criteria provided, single submitter. Criteria: LabCorp Variant Classification Summary - May 2015. Collection method: clinical testing. Allele origin: germline.
Comment: Variant summary: ATM c.6114C>G (p.His2038Gln) results in a non-conservative amino acid change located in the PIK-related kinase domain (IPR014009) of the encoded protein sequence. Four of five in-silico tools predict a damaging effect of the variant on protein function. The variant was absent in 251382 control chromosomes (gnomAD). The available data on variant occurrences in the general population are insufficient to allow any conclusion about variant significance. c.6114C>G has been reported in the literature in individuals affected with features of Lynch syndrome without evidence of causality (Yurgelun_2015). This report does not provide unequivocal conclusions about association of the variant with Breast Cancer. To our knowledge, no experimental evidence demonstrating an impact on protein function has been reported. The following publication has been ascertained in the context of this evaluation (PMID: 25980754). ClinVar contains an entry for this variant (Variation ID: 232340). Based on the evidence outlined above, the variant was classified as uncertain significance.

Baylor Genetics
Classification: Uncertain significance for Familial cancer of breast. Last evaluated: 2024-03-25. Review status: criteria provided, single submitter. Criteria: ACMG Guidelines, 2015. Collection method: clinical testing. Allele origin: unknown.

Department of Pathology and Laboratory Medicine, Sinai Health System
Classification: Uncertain significance for Familial colorectal cancer type X. Last evaluated: 2023-08-10. Review status: criteria provided, single submitter. Criteria: ACMG Guidelines, 2015. Collection method: clinical testing. Allele origin: germline. Affected: yes.

Blueprint Genetics
Classification: Uncertain significance. Last evaluated: 2023-06-27. Review status: criteria provided, single submitter. Criteria: ACMG Guidelines, 2015. Collection method: clinical testing. Allele origin: germline.

GeneDx
Classification: Uncertain significance. Last evaluated: 2017-12-21. Review status: criteria provided, single submitter. Criteria: GeneDx Variant Classification (06012015). Collection method: clinical testing. Allele origin: germline. Affected: yes.
Comment: This variant is denoted ATM c.6114C>G at the cDNA level, p.His2038Gln (H2038Q) at the protein level, and results in the change of a Histidine to a Glutamine (CAC>CAG). This variant was identified in a cohort of 1250 individuals with personal history of Lynch syndrome-associated cancer and/or polyps undergoing genetic testing for Lynch syndrome using a multi-gene panel (Yurgelun 2015). ATM His2038Gln was not observed in large population cohorts (Lek 2016). ATM His2038Gln is located in the FAT domain (Stracker 2013). In-silico analysis, which includes protein predictors and evolutionary conservation, supports a deleterious effect. Based on currently available evidence, it is unclear whether ATM His2038Gln is a pathogenic or benign variant. We consider it to be a variant of uncertain significance.

Literature cited by the submitters: PubMed 25980754 (cited by 5 submitters); PubMed 33471991 (cited by Color Diagnostics, LLC DBA Color Health and Department of Pathology and Laboratory Medicine, Sinai Health System).

NM_000051.4(ATM):c.6114C>G (p.His2038Gln)

Genes: C11orf65 (chromosome 11 open reading frame 65; minus strand), ATM (ATM serine/threonine kinase; plus strand). Cytogenetic location: 11q22.3.
Variant type: single nucleotide variant.
Coding change: c.6114C>G on transcript NM_000051.4 (MANE Select); coding-DNA position 6114, C replaced by G.
Protein change: p.His2038Gln; replaces histidine 2038 with glutamine.
Molecular consequence: missense variant. On other transcripts: intron variant (2).
Genome position (GRCh38, 1-based): chr11:108,316,029, C>G. VCF-style: chr11-108316029-C-G. GRCh37 (hg19) VCF-style: chr11-108186756-C-G.
Other names: c.6114C>G, p.His2038Gln (NM_001351834.2); c.641-6958G>C (NM_001330368.2); c.*39-6958G>C (NM_001351110.2); short protein forms H2038Q.
Identifiers: ClinVar variation 232340 (VCV000232340.28), dbSNP rs774993357, ClinGen allele CA10579210.